The following is an entry in ClinVar:

NM_000059.4(BRCA2):c.7791A>C (p.Lys2597Asn)

Gene: BRCA2 (BRCA2 DNA repair associated; plus strand). Cytogenetic location: 13q13.1.
Variant type: single nucleotide variant.
Coding change: c.7791A>C on transcript NM_000059.4 (MANE Select); coding-DNA position 7791, A replaced by C.
Protein change: p.Lys2597Asn; replaces lysine 2597 with asparagine.
Molecular consequence: missense variant.
Genome position (GRCh38, 1-based): chr13:32,357,915, A>C. VCF-style: chr13-32357915-A-C. GRCh37 (hg19) VCF-style: chr13-32932052-A-C.
Other names: short protein forms K2597N.
Identifiers: ClinVar variation 441351 (VCV000441351.7), dbSNP rs1555286470, ClinGen allele CA387746031.

ClinVar aggregate classification (germline): Uncertain significance (1 of 4 stars; one submission).

Conditions:
Hereditary cancer-predisposing syndrome. Also called: Hereditary Cancer Syndrome; Hereditary neoplastic syndrome; Neoplastic Syndromes, Hereditary; Tumor predisposition. Identifiers: Orphanet 140162, MedGen C0027672, MeSH D009386, MONDO:0015356.

Submission:

Ambry Genetics
Classification: Uncertain significance for Hereditary cancer-predisposing syndrome. Last evaluated: 2025-09-22. Review status: criteria provided, single submitter. Criteria: Ambry Variant Classification Scheme 2023. Collection method: clinical testing. Allele origin: germline.
Comment: The p.K2597N variant (also known as c.7791A>C), located in coding exon 15 of the BRCA2 gene, results from an A to C substitution at nucleotide position 7791. The lysine at codon 2597 is replaced by asparagine, an amino acid with similar properties. One drug sensitivity assay reported this variant as neutral (Ikegami M et al. Nat Commun. 2020 May;11(1):2573). The results from two saturation genome editing-based studies, including a haploid cell-survival assay and a humanized mouse embryonic stem cell line assay of drug response and survival, are discordant for this nucleotide substitution (Huang H et al. Nature. 2025 Feb;638(8050):528-537; Sahu S et al. Nature. 2025 Feb;638(8050):538-545). In addition, in a homology directed repair assay, this variant had an intermediate functional impact (Ambry internal data). This amino acid position is highly conserved in available vertebrate species. In addition, the in silico prediction for this alteration is inconclusive. Based on the available evidence, the clinical significance of this variant remains unclear.

Literature cited by the submitters: PubMed 32444794; PubMed 39779848; PubMed 39779857.